The following is an entry in ClinVar:

NM_000540.3(RYR1):c.9953A>G (p.Asn3318Ser)

Gene: RYR1 (ryanodine receptor 1; plus strand). Cytogenetic location: 19q13.2.
Variant type: single nucleotide variant.
Coding change: c.9953A>G on transcript NM_000540.3 (MANE Select); coding-DNA position 9953, A replaced by G.
Protein change: p.Asn3318Ser; replaces asparagine 3318 with serine.
Molecular consequence: missense variant.
Genome position (GRCh38, 1-based): chr19:38,517,626, A>G. VCF-style: chr19-38517626-A-G. GRCh37 (hg19) VCF-style: chr19-39008266-A-G.
Other names: c.9953A>G, p.Asn3318Ser (NM_001042723.2); c.9953A>G (NM_000540.2); short protein forms N3318S.
Identifiers: ClinVar variation 1427850 (VCV001427850.6), dbSNP rs769650528, ClinGen allele CA074353.

ClinVar aggregate classification (germline): Uncertain significance. Review status: criteria provided, multiple submitters, no conflicts (2 of 4 stars). 2 submissions from 2 submitters: Uncertain significance (2). Last evaluated 2025-08-21.

Conditions:
Inborn genetic diseases. Identifiers: MedGen C0950123, MeSH D030342.
RYR1-related disorder. Also called: RYR1-related condition; RYR1-related disorders. Identifiers: MedGen CN239331.

Allele frequency attached by ClinVar (database versions not stated): gnomAD exomes 0.00002 and 0.00004; ExAC 0.00003.
gnomAD v4.1: 33 of 1,614,166 alleles (0.002%); highest among the groups gnomAD compares: South Asian, 0.034%; 1 homozygote.

Submissions (2):

Ambry Genetics
Classification: Uncertain significance for Inborn genetic diseases. Last evaluated: 2025-08-21. Review status: criteria provided, single submitter. Criteria: Ambry Variant Classification Scheme 2023. Collection method: clinical testing. Allele origin: germline.

Labcorp Genetics (formerly Invitae), Labcorp
Classification: Uncertain significance for RYR1-related disorder. Last evaluated: 2022-10-13. Review status: criteria provided, single submitter. Criteria: Invitae Variant Classification Sherloc (09022015). Collection method: clinical testing. Allele origin: germline.
Comment: This sequence change replaces asparagine, which is neutral and polar, with serine, which is neutral and polar, at codon 3318 of the RYR1 protein (p.Asn3318Ser). This variant is present in population databases (rs769650528, gnomAD 0.03%). This variant has not been reported in the literature in individuals affected with RYR1-related conditions. ClinVar contains an entry for this variant (Variation ID: 1427850). Advanced modeling of protein sequence and biophysical properties (such as structural, functional, and spatial information, amino acid conservation, physicochemical variation, residue mobility, and thermodynamic stability) performed at Invitae indicates that this missense variant is not expected to disrupt RYR1 protein function. In summary, the available evidence is currently insufficient to determine the role of this variant in disease. Therefore, it has been classified as a Variant of Uncertain Significance.